The following is an entry in ClinVar:

NM_000038.6(APC):c.2952A>G (p.Glu984=)

Gene: APC (APC regulator of Wnt signaling pathway; plus strand). Cytogenetic location: 5q22.2.
Variant type: single nucleotide variant.
Coding change: c.2952A>G on transcript NM_000038.6 (MANE Select); coding-DNA position 2952, A replaced by G.
Protein change: p.Glu984=; no amino-acid change (glutamic acid 984 retained).
Molecular consequence: synonymous variant.
Genome position (GRCh38, 1-based): chr5:112,838,546, A>G. VCF-style: chr5-112838546-A-G. GRCh37 (hg19) VCF-style: chr5-112174243-A-G.
Other names: c.2952A>G, p.Glu984= (NM_001127510.3, NM_001354895.2); c.2898A>G, p.Glu966= (NM_001127511.3); c.3006A>G, p.Glu1002= (NM_001354896.2); c.2982A>G, p.Glu994= (NM_001354897.2); c.2877A>G, p.Glu959= (NM_001354898.2); c.2868A>G, p.Glu956= (NM_001354899.2); c.2829A>G, p.Glu943= (NM_001354900.2); c.2775A>G, p.Glu925= (NM_001354901.2); and 5 more.
Identifiers: ClinVar variation 382543 (VCV000382543.21), dbSNP rs772562489, ClinGen allele CA034076.
Genomic context (GRCh38, chr5:112,838,546, plus strand): 5'-AAATAGTGTCAGTAGTAGTGATGGTTATGGTAAAAGAGGTCAAATGAAACCCTCGATTGA[A>G]TCCTATTCTGAAGATGATGAAAGTAAGTTTTGCAGTTATGGTCAATACCCAGCCGACCTA-3'
Protein context (NP_000029.2, residues 974-994): GKRGQMKPSI[Glu984=]SYSEDDESKF

ClinVar aggregate classification (germline): Benign/Likely benign. Review status: criteria provided, multiple submitters, no conflicts (2 of 4 stars). 6 submissions from 6 submitters: Benign (1); Likely benign (5). Last evaluated 2026-01-11.

Conditions:
Hereditary cancer-predisposing syndrome. Also called: Tumor predisposition; Hereditary neoplastic syndrome; Neoplastic Syndromes, Hereditary; Hereditary Cancer Syndrome. Identifiers: Orphanet 140162, MedGen C0027672, MeSH D009386, MONDO:0015356.
Familial adenomatous polyposis 1 (FAP1). Also called: FAMILIAL ADENOMATOUS POLYPOSIS 1, ATTENUATED; POLYPOSIS, ADENOMATOUS INTESTINAL. Identifiers: MedGen C2713442, MONDO:0021056, OMIM 175100. Disease mechanism: loss of function.

Allele frequency attached by ClinVar (database versions not stated): gnomAD exomes below 0.00001 and 0.00001; ExAC 0.00002.
gnomAD v4.1: 5 of 1,614,236 alleles (0.00031%); highest among the groups gnomAD compares: East Asian, 0.0045%; no homozygotes.

Submissions (6):

Labcorp Genetics (formerly Invitae), Labcorp
Classification: Likely benign for Familial adenomatous polyposis 1. Last evaluated: 2026-01-11. Review status: criteria provided, single submitter. Criteria: Invitae Variant Classification Sherloc (09022015). Collection method: clinical testing. Allele origin: germline.

Myriad Genetics, Inc.
Classification: Benign for Familial adenomatous polyposis 1. Last evaluated: 2024-03-15. Review status: criteria provided, single submitter. Criteria: Myriad Autosomal Dominant, Autosomal Recessive and X-Linked Classification Criteria (2023). Collection method: clinical testing. Allele origin: unknown.
Comment: This variant is considered benign. This variant is a silent/synonymous amino acid change and it is not expected to impact splicing.

GeneDx
Classification: Likely benign. Last evaluated: 2019-11-12. Review status: criteria provided, single submitter. Criteria: GeneDx Variant Classification Process June 2021. Collection method: clinical testing. Allele origin: germline. Affected: yes.

Women's Health and Genetics/Laboratory Corporation of America, LabCorp
Classification: Likely benign. Last evaluated: 2019-08-20. Review status: criteria provided, single submitter. Criteria: LabCorp Variant Classification Summary - May 2015. Collection method: clinical testing. Allele origin: germline.

Ambry Genetics
Classification: Likely benign for Hereditary cancer-predisposing syndrome. Last evaluated: 2017-08-01. Review status: criteria provided, single submitter. Criteria: Ambry Variant Classification Scheme 2023. Collection method: clinical testing. Allele origin: germline.

Color Diagnostics, LLC DBA Color Health
Classification: Likely benign for Hereditary cancer-predisposing syndrome. Last evaluated: 2017-01-09. Review status: criteria provided, single submitter. Criteria: ACMG Guidelines, 2015. Collection method: clinical testing. Allele origin: germline.